The following is an entry in ClinVar:

ClinVar aggregate classification (germline): Conflicting classifications of pathogenicity. Review status: criteria provided, conflicting classifications (1 of 4 stars). 9 submissions from 9 submitters: Uncertain significance (1); Likely benign (7). 1 of the submissions does not count toward it. Last evaluated 2026-01-23.

Conditions:
FANCD2-related disorder. Also called: FANCD2-related condition.
Fanconi anemia (FA). Also called: Fanconi's anemia. Identifiers: Orphanet 84, MedGen C0015625, MeSH D005199, MONDO:0019391.
Fanconi anemia complementation group D2. Also called: FANCD2-Related Fanconi Anemia; FANCONI PANCYTOPENIA, TYPE 4; FANCONI ANEMIA, COMPLEMENTATION GROUP D. Identifiers: Orphanet 84, MedGen C3160738, MONDO:0009214, OMIM 227646.

Allele frequency attached by ClinVar (database versions not stated): ESP Exome Variant Server 0.00008; ExAC 0.00020; TOPMed 0.00023; gnomAD exomes 0.00025 and 0.00044; gnomAD 0.00031.
gnomAD v4.1: 682 of 1,614,034 alleles (0.042%); highest among the groups gnomAD compares: Non-Finnish European, 0.055%; no homozygotes.

Submissions (9):

Labcorp Genetics (formerly Invitae), Labcorp
Classification: Likely benign for Fanconi anemia. Last evaluated: 2026-01-23. Review status: criteria provided, single submitter. Criteria: Invitae Variant Classification Sherloc (09022015). Collection method: clinical testing. Allele origin: germline.

CeGaT Center for Human Genetics Tuebingen
Classification: Likely benign. Last evaluated: 2025-10-01. Review status: criteria provided, single submitter. Criteria: CeGaT Center For Human Genetics Tuebingen Variant Classification Criteria Version 2. Collection method: clinical testing. Allele origin: germline. Affected: yes. Observed: 4 variant alleles.
Comment: FANCD2: BP4, BP7

Laboratory of Genetics, Children's Clinical University Hospital Latvia
Classification: Likely benign. Last evaluated: 2025-02-16. Review status: criteria provided, single submitter. Criteria: ACMG Guidelines, 2015. Collection method: clinical testing. Allele origin: germline. Affected: yes.

Blueprint Genetics
Classification: Likely benign. Last evaluated: 2024-11-01. Review status: criteria provided, single submitter. Criteria: ACMG Guidelines, 2015. Collection method: clinical testing. Allele origin: germline.

Sema4
Classification: Likely benign for Fanconi anemia. Last evaluated: 2021-12-13. Review status: criteria provided, single submitter. Criteria: Sema4 Curation Guidelines. Collection method: curation. Allele origin: germline.

Genetic Services Laboratory, University of Chicago
Classification: Likely benign. Last evaluated: 2020-07-28. Review status: criteria provided, single submitter. Criteria: ACMG Guidelines, 2015. Collection method: clinical testing. Allele origin: germline. Affected: no.

GeneDx
Classification: Likely benign. Last evaluated: 2020-02-13. Review status: criteria provided, single submitter. Criteria: GeneDx Variant Classification Process June 2021. Collection method: clinical testing. Allele origin: germline. Affected: yes.

Illumina Laboratory Services, Illumina
Classification: Uncertain significance for Fanconi anemia complementation group D2. Last evaluated: 2018-01-12. Review status: criteria provided, single submitter. Criteria: ICSL Variant Classification Criteria 13 December 2019. Collection method: clinical testing. Allele origin: germline.

PreventionGenetics, part of Exact Sciences
Classification: Likely benign for FANCD2-related condition. Last evaluated: 2022-03-16. Review status: no assertion criteria provided. Collection method: clinical testing. Allele origin: germline. Not counted in ClinVar's aggregate classification.
Comment: This variant is classified as likely benign based on ACMG/AMP sequence variant interpretation guidelines (Richards et al. 2015 PMID: 25741868, with internal and published modifications).

NM_001018115.3(FANCD2):c.33G>A (p.Glu11=)

Gene: FANCD2 (FA complementation group D2; plus strand). Cytogenetic location: 3p25.3.
Variant type: single nucleotide variant.
Coding change: c.33G>A on transcript NM_001018115.3 (MANE Select); coding-DNA position 33, G replaced by A.
Protein change: p.Glu11=; no amino-acid change (glutamic acid 11 retained).
Molecular consequence: synonymous variant.
Genome position (GRCh38, 1-based): chr3:10,028,690, G>A. VCF-style: chr3-10028690-G-A. GRCh37 (hg19) VCF-style: chr3-10070374-G-A.
Other names: c.33G>A (NM_001018115.2); c.33G>A, p.Glu11= (NM_001319984.2, NM_001374253.1, NM_001374254.1 and 2 more transcripts).
Identifiers: ClinVar variation 342254 (VCV000342254.43), dbSNP rs147426418, ClinGen allele CA2249076.
Genomic context (GRCh38, chr3:10,028,690, plus strand): 5'-AATTTAAGTGCACAAGACATTGGTCAAAATGGTTTCCAAAAGAAGACTGTCAAAATCTGA[G>A]GATAAAGAGAGCCTGACAGAAGATGCCTCCAGTAAGTATCTAGTCATTTGTTGCTTTATT-3'
Protein context (NP_001018125.1, residues 1-21): MVSKRRLSKS[Glu11=]DKESLTEDAS